The following is an entry in ClinVar:

ClinVar aggregate classification (germline): Conflicting classifications of pathogenicity. Review status: criteria provided, conflicting classifications (1 of 4 stars). 3 submissions from 2 submitters: Uncertain significance (2); Likely benign (1). Last evaluated 2023-01-01.

Conditions:
Autosomal dominant nonsyndromic hearing loss 17. Also called: Deafness, autosomal dominant 17; Autosomal dominant nonsyndromic deafness 17. Identifiers: Orphanet 90635, MedGen C1863659, MONDO:0011350, OMIM 603622.
MYH9-related disorder. Identifiers: MedGen C1854520.

Allele frequency attached by ClinVar (database versions not stated): ExAC 0.00001; gnomAD 0.00001; gnomAD exomes 0.00001 and 0.00002; TOPMed 0.00002; ESP Exome Variant Server 0.00008.
gnomAD v4.1: 23 of 1,608,736 alleles (0.0014%); highest among the groups gnomAD compares: East Asian, 0.0045%; no homozygotes.

Submissions (3):

CeGaT Center for Human Genetics Tuebingen
Classification: Likely benign. Last evaluated: 2023-01-01. Review status: criteria provided, single submitter. Criteria: CeGaT Center For Human Genetics Tuebingen Variant Classification Criteria Version 2. Collection method: clinical testing. Allele origin: germline. Affected: yes. Observed: 1 variant allele.
Comment: MYH9: BP4, BP7

Illumina Laboratory Services, Illumina
Classification: Uncertain significance for Autosomal dominant nonsyndromic hearing loss 17. Last evaluated: 2018-01-13. Review status: criteria provided, single submitter. Criteria: ICSL Variant Classification Criteria 13 December 2019. Collection method: clinical testing. Allele origin: germline.

Illumina Laboratory Services, Illumina
Classification: Uncertain significance for MYH9-related disorder. Last evaluated: 2018-01-13. Review status: criteria provided, single submitter. Criteria: ICSL Variant Classification Criteria 13 December 2019. Collection method: clinical testing. Allele origin: germline.

NM_002473.6(MYH9):c.5769C>T (p.Arg1923=)

Gene: MYH9 (myosin heavy chain 9; minus strand). Cytogenetic location: 22q12.3.
Variant type: single nucleotide variant.
Coding change: c.5769C>T on transcript NM_002473.6 (MANE Select); coding-DNA position 5769, C replaced by T.
Protein change: p.Arg1923=; no amino-acid change (arginine 1923 retained).
Molecular consequence: synonymous variant.
Genome position (GRCh38, 1-based): chr22:36,282,782, G>A on the plus strand (C>T on the coding strand, the complement: MYH9 is on the minus strand). VCF-style: chr22-36282782-G-A. GRCh37 (hg19) VCF-style: chr22-36678828-G-A.
Identifiers: ClinVar variation 903290 (VCV000903290.28), dbSNP rs370834297, ClinGen allele CA10208909.